The following is an entry in ClinVar:

NM_001963.6(EGF):c.2866C>G (p.Pro956Ala)

Genes: EGF (epidermal growth factor; plus strand), LOC129992959 (ATAC-STARR-seq lymphoblastoid active region 21813; plus strand). Cytogenetic location: 4q25.
Variant type: single nucleotide variant.
Coding change: c.2866C>G on transcript NM_001963.6 (MANE Select); coding-DNA position 2866, C replaced by G.
Protein change: p.Pro956Ala; replaces proline 956 with alanine.
Molecular consequence: missense variant.
Genome position (GRCh38, 1-based): chr4:109,994,741, C>G. VCF-style: chr4-109994741-C-G. GRCh37 (hg19) VCF-style: chr4-110915897-C-G.
Other names: c.2743C>G, p.Pro915Ala (NM_001178130.3); c.2740C>G, p.Pro914Ala (NM_001178131.3); c.2497C>G, p.Pro833Ala (NM_001357021.2); short protein forms P915A, P833A, P956A, P914A.
Identifiers: ClinVar variation 3652705 (VCV003652705.2).

ClinVar aggregate classification (germline): Uncertain significance (1 of 4 stars; one submission).

gnomAD v4.1: 2 of 1,613,942 alleles (0.00012%); highest among the groups gnomAD compares: Admixed American, 0.0017%; no homozygotes.

Submission:

Labcorp Genetics (formerly Invitae), Labcorp
Classification: Uncertain significance. Last evaluated: 2024-05-24. Review status: criteria provided, single submitter. Criteria: Invitae Variant Classification Sherloc (09022015). Collection method: clinical testing. Allele origin: germline.
Comment: This sequence change replaces proline, which is neutral and non-polar, with alanine, which is neutral and non-polar, at codon 956 of the EGF protein (p.Pro956Ala). This variant is present in population databases (no rsID available, gnomAD 0.01%). This variant has not been reported in the literature in individuals affected with EGF-related conditions. An algorithm developed to predict the effect of missense changes on protein structure and function (PolyPhen-2) suggests that this variant is likely to be tolerated. In summary, the available evidence is currently insufficient to determine the role of this variant in disease. Therefore, it has been classified as a Variant of Uncertain Significance.